The following is an entry in ClinVar:

ClinVar aggregate classification (germline): Uncertain significance (1 of 4 stars; one submission).

Submission:

Labcorp Genetics (formerly Invitae), Labcorp
Classification: Uncertain significance. Last evaluated: 2024-02-24. Review status: criteria provided, single submitter. Criteria: Invitae Variant Classification Sherloc (09022015). Collection method: clinical testing. Allele origin: germline.
Comment: This variant, c.4618_4620del, results in the deletion of 1 amino acid(s) of the ASXL1 protein (p.Val1540del), but otherwise preserves the integrity of the reading frame. This variant is present in population databases (rs746690847, gnomAD 0.006%). This variant has not been reported in the literature in individuals affected with ASXL1-related conditions. Experimental studies and prediction algorithms are not available or were not evaluated, and the functional significance of this variant is currently unknown. In summary, the available evidence is currently insufficient to determine the role of this variant in disease. Therefore, it has been classified as a Variant of Uncertain Significance.

NM_015338.6(ASXL1):c.4615GTG[1] (p.Val1540del)

Gene: ASXL1 (ASXL transcriptional regulator 1; plus strand). Cytogenetic location: 20q11.21.
Variant type: Microsatellite.
Coding change: c.4615GTG[1] on transcript NM_015338.6 (MANE Select); one copy of the 3-base unit GTG starting at c.4615; the reference has two copies in a row; one copy, 3 bases deleted.
Protein change: p.Val1540del; deletes valine 1540.
Molecular consequence: inframe deletion.
Genome position (GRCh38, 1-based): chr20:32,437,330-32,437,332, GTG deleted; deleting any 3 consecutive bases within chr20:32,437,327-32,437,332 gives the same sequence; the position shown is the placement nearest the transcript's 3' end. VCF-style (leftmost placement, unchanged base first): chr20-32437326-TGTG-T. GRCh37 (hg19) VCF-style: chr20-31025129-TGTG-T.
Other names: c.4432GTG[1], p.Val1479del (NM_001363734.1); short protein forms V1479del, V1540del.
Identifiers: ClinVar variation 2070055 (VCV002070055.4), dbSNP rs746690847, ClinGen allele CA9809058.
Genomic context (GRCh38, chr20:32,437,326, plus strand): 5'-CTGCGGTGCGTTCTGTCACGATGACTGTATTGGACCCTCAAAGCTCTGTGTATTGTGCCT[TGTG>T]GTGAGATAATAAATTATGGCCATGGGAAACATTGTATATTTAGTGTGTGTATTTTGATAA-3'